The following is an entry in ClinVar:

ClinVar aggregate classification (germline): Uncertain significance. Review status: criteria provided, multiple submitters, no conflicts (2 of 4 stars). 2 submissions from 2 submitters: Uncertain significance (2). Last evaluated 2026-04-16.

Conditions:
REN-related disorder. Also called: REN-related condition.

gnomAD v4.1: 98 of 1,614,192 alleles (0.0061%); highest among the groups gnomAD compares: Middle Eastern, 0.016%; no homozygotes.

Submissions (2):

PreventionGenetics, part of Exact Sciences
Classification: Uncertain significance for REN-related condition. Last evaluated: 2026-04-16. Review status: criteria provided, single submitter. Criteria: ACMG Guidelines, 2015. Collection method: clinical testing. Allele origin: germline.
Comment: The REN c.230T>C variant is predicted to result in the amino acid substitution p.Ile77Thr. To our knowledge, this variant has not been reported in the literature. This variant is reported in 0.0093% of alleles in individuals of European (Non-Finnish) descent in gnomAD. At this time, the clinical significance of this variant is uncertain due to the absence of conclusive functional and genetic evidence.

Labcorp Genetics (formerly Invitae), Labcorp
Classification: Uncertain significance. Last evaluated: 2025-09-03. Review status: criteria provided, single submitter. Criteria: Invitae Variant Classification Sherloc (09022015). Collection method: clinical testing. Allele origin: germline.
Comment: This sequence change replaces isoleucine, which is neutral and non-polar, with threonine, which is neutral and polar, at codon 77 of the REN protein (p.Ile77Thr). This variant is present in population databases (rs574100052, gnomAD 0.009%). This variant has not been reported in the literature in individuals affected with REN-related conditions. Invitae Evidence Modeling of protein sequence and biophysical properties (such as structural, functional, and spatial information, amino acid conservation, physicochemical variation, residue mobility, and thermodynamic stability) indicates that this missense variant is not expected to disrupt REN protein function with a negative predictive value of 80%. In summary, the available evidence is currently insufficient to determine the role of this variant in disease. Therefore, it has been classified as a Variant of Uncertain Significance.

NM_000537.4(REN):c.230T>C (p.Ile77Thr)

Gene: REN (renin; minus strand). Cytogenetic location: 1q32.1.
Variant type: single nucleotide variant.
Coding change: c.230T>C on transcript NM_000537.4 (MANE Select); coding-DNA position 230, T replaced by C.
Protein change: p.Ile77Thr; replaces isoleucine 77 with threonine.
Molecular consequence: missense variant.
Genome position (GRCh38, 1-based): chr1:204,162,032, A>G on the plus strand (T>C on the coding strand, the complement: REN is on the minus strand). VCF-style: chr1-204162032-A-G. GRCh37 (hg19) VCF-style: chr1-204131160-A-G.
Other names: c.230T>C (NM_000537.3); short protein forms I77T.
Identifiers: ClinVar variation 4690629 (VCV004690629.2).